The following is an entry in ClinVar:

NM_001122630.2(CDKN1C):c.578_579insAGTCGC (p.Pro193_Ala194insValAla)

Gene: CDKN1C (cyclin dependent kinase inhibitor 1C; minus strand). Cytogenetic location: 11p15.4.
Variant type: Indel.
Coding change: c.578_579insAGTCGC on transcript NM_001122630.2 (MANE Select); coding-DNA positions 578 to 579, AGTCGC inserted.
Protein change: p.Pro193_Ala194insValAla.
Molecular consequence: inframe insertion. On other transcripts: intron variant (1).
Genome position: GRCh38 VCF-style: chr11-2884878-C-CGCGACT. GRCh37 (hg19) VCF-style: chr11-2906108-C-CGCGACT.
Other names: c.611_612insAGTCGC, p.Pro204_Ala205insValAla (NM_000076.2, NM_001362474.2); c.578_579insAGTCGC, p.Pro193_Ala194insValAla (NM_001122631.2); c.255+323_255+324insCAGTCG (NM_001362475.2).
Identifiers: ClinVar variation 2696501 (VCV002696501.3), dbSNP rs2493717109, ClinGen allele CA2697548342.

ClinVar aggregate classification (germline): Uncertain significance (1 of 4 stars; one submission).

Conditions:
Beckwith-Wiedemann syndrome (BWS). Also called: Exomphalos macroglossia gigantism syndrome; EMG SYNDROME. Identifiers: Orphanet 116, MedGen C0004903, MONDO:0007534, OMIM 130650.

Submission:

Labcorp Genetics (formerly Invitae), Labcorp
Classification: Uncertain significance for Beckwith-Wiedemann syndrome. Last evaluated: 2023-11-17. Review status: criteria provided, single submitter. Criteria: Invitae Variant Classification Sherloc (09022015). Collection method: clinical testing. Allele origin: germline.
Comment: This variant, c.611_612insAGTCGC, results in the insertion of 2 amino acid(s) of the CDKN1C protein (p.Pro204_Ala205insValAla), but otherwise preserves the integrity of the reading frame. The frequency data for this variant in the population databases is considered unreliable, as metrics indicate insufficient coverage at this position in the gnomAD database. This variant has not been reported in the literature in individuals affected with CDKN1C-related conditions. In summary, the available evidence is currently insufficient to determine the role of this variant in disease. Therefore, it has been classified as a Variant of Uncertain Significance.